The following is an entry in ClinVar:

NM_024854.5(PYROXD1):c.649+2T>G

Gene: PYROXD1 (pyridine nucleotide-disulphide oxidoreductase domain 1; plus strand). Cytogenetic location: 12p12.1.
Variant type: single nucleotide variant.
Coding change: c.649+2T>G on transcript NM_024854.5 (MANE Select); the canonical splice donor site of the intron after coding-DNA position 649, T replaced by G.
Molecular consequence: splice donor variant.
Genome position (GRCh38, 1-based): chr12:21,455,294, T>G. VCF-style: chr12-21455294-T-G. GRCh37 (hg19) VCF-style: chr12-21608228-T-G.
Other names: c.-129+2T>G (NM_001350913.2); c.436+2T>G (NM_001350912.2).
Identifiers: ClinVar variation 3644180 (VCV003644180.2).

ClinVar aggregate classification (germline): Likely pathogenic (1 of 4 stars; one submission).

Submission:

Labcorp Genetics (formerly Invitae), Labcorp
Classification: Likely pathogenic. Last evaluated: 2025-01-25. Review status: criteria provided, single submitter. Criteria: Invitae Variant Classification Sherloc (09022015). Collection method: clinical testing. Allele origin: germline.
Comment: This sequence change affects a donor splice site in intron 6 of the PYROXD1 gene. It is expected to disrupt RNA splicing. Variants that disrupt the donor or acceptor splice site typically lead to a loss of protein function (PMID: 16199547), and loss-of-function variants in PYROXD1 are known to be pathogenic (PMID: 27745833). This variant is not present in population databases (gnomAD no frequency). This variant has not been reported in the literature in individuals affected with PYROXD1-related conditions. Algorithms developed to predict the effect of sequence changes on RNA splicing suggest that this variant may disrupt the consensus splice site. In summary, the currently available evidence indicates that the variant is pathogenic, but additional data are needed to prove that conclusively. Therefore, this variant has been classified as Likely Pathogenic.

Literature cited by the submitters: PubMed 16199547; PubMed 27745833.